The following is an entry in ClinVar:

ClinVar aggregate classification (germline): Uncertain significance. Review status: criteria provided, multiple submitters, no conflicts (2 of 4 stars). 2 submissions from 2 submitters: Uncertain significance (2). Last evaluated 2024-05-31.

Conditions:
Microcephaly-intellectual disability-sensorineural hearing loss-epilepsy-abnormal muscle tone syndrome (NEDHSB). Also called: NEURODEVELOPMENTAL DISORDER WITH HEARING LOSS, SEIZURES, AND BRAIN ABNORMALITIES. Identifiers: Orphanet 457351, MedGen C4225276, MONDO:0014698, OMIM 616577.

Allele frequency attached by ClinVar (database versions not stated): TOPMed 0.00001.

Submissions (2):

GeneDx
Classification: Uncertain significance. Last evaluated: 2024-05-31. Review status: criteria provided, single submitter. Criteria: GeneDx Variant Classification Process June 2021. Collection method: clinical testing. Allele origin: germline. Affected: yes.
Comment: Not observed at significant frequency in large population cohorts (gnomAD); In silico analysis indicates that this missense variant does not alter protein structure/function; Has not been previously published as pathogenic or benign to our knowledge

Labcorp Genetics (formerly Invitae), Labcorp
Classification: Uncertain significance for Microcephaly-intellectual disability-sensorineural hearing loss-epilepsy-abnormal muscle tone syndrome. Last evaluated: 2021-09-01. Review status: criteria provided, single submitter. Criteria: Invitae Variant Classification Sherloc (09022015). Collection method: clinical testing. Allele origin: germline.
Comment: This sequence change replaces leucine with isoleucine at codon 824 of the SPATA5 protein (p.Leu824Ile). The leucine residue is moderately conserved and there is a small physicochemical difference between leucine and isoleucine. This variant is not present in population databases (ExAC no frequency). This variant has not been reported in the literature in individuals affected with SPATA5-related conditions. Advanced modeling of protein sequence and biophysical properties (such as structural, functional, and spatial information, amino acid conservation, physicochemical variation, residue mobility, and thermodynamic stability) performed at Invitae indicates that this missense variant is expected to disrupt SPATA5 protein function. In summary, the available evidence is currently insufficient to determine the role of this variant in disease. Therefore, it has been classified as a Variant of Uncertain Significance.

NM_145207.3(AFG2A):c.2470C>A (p.Leu824Ile)

Gene: AFG2A (AFG2 AAA ATPase homolog A; plus strand). Cytogenetic location: 4q28.1.
Variant type: single nucleotide variant.
Coding change: c.2470C>A on transcript NM_145207.3 (MANE Select); coding-DNA position 2470, C replaced by A.
Protein change: p.Leu824Ile; replaces leucine 824 with isoleucine.
Molecular consequence: missense variant.
Genome position (GRCh38, 1-based): chr4:123,256,145, C>A. VCF-style: chr4-123256145-C-A. GRCh37 (hg19) VCF-style: chr4-124177300-C-A.
Other names: c.2467C>A, p.Leu823Ile (NM_001345856.2); c.2470C>A (NM_145207.2); short protein forms L823I, L824I.
Identifiers: ClinVar variation 1414533 (VCV001414533.4), dbSNP rs770839216, ClinGen allele CA358230785.